The following is an entry in ClinVar:

ClinVar aggregate classification (germline): Pathogenic/Likely pathogenic. Review status: criteria provided, multiple submitters, no conflicts (2 of 4 stars). 3 submissions from 3 submitters: Pathogenic (2); Likely pathogenic (1). Last evaluated 2026-06-29.

Conditions:
Autosomal recessive Alport syndrome (ATS2). Also called: ALPORT SYNDROME 2, AUTOSOMAL RECESSIVE; Alport syndrome type 2; COL4A3-Related Nephropathy; COL4A4 Alport Syndrome and Thin Basement Membrane Nephropathy. Identifiers: Orphanet 63, Orphanet 88919, MedGen C4746745, MONDO:0008762, OMIM 203780.
Autosomal dominant Alport syndrome (ATS3A). Also called: Alport syndrome dominant type; Renal failure and sensorineural hearing loss; ALPORT SYNDROME 3A, AUTOSOMAL DOMINANT. Identifiers: Orphanet 63, Orphanet 88918, MedGen C5882663, MONDO:0007086, OMIM 104200.

Submissions (3):

Women's Health and Genetics/Laboratory Corporation of America, LabCorp
Classification: Likely pathogenic for Autosomal recessive Alport syndrome. Last evaluated: 2026-06-29. Review status: criteria provided, single submitter. Criteria: LabCorp Variant Classification Summary - May 2015. Collection method: clinical testing. Allele origin: germline.
Comment: Variant summary: COL4A3 c.4474A>T (p.Ser1492Cys) results in a non-conservative amino acid change in the encoded protein sequence. Algorithms developed to predict the effect of missense changes on protein structure and function all suggest that this variant is likely to be disruptive. The variant was absent in 249130 control chromosomes. c.4474A>T has been observed in compound heterozygous individual(s) affected with Alport syndrome (Cervera-Acedo_2017). These data indicate that the variant may be associated with disease. To our knowledge, no experimental evidence demonstrating an impact on protein function has been reported. Internally validated machine learning-based Evidence Modeling of protein sequence and biophysical properties (such as structural, functional, and spatial information, amino acid conservation, physicochemical variation, residue mobility, and thermodynamic stability) indicates that this missense variant is expected to disrupt protein function with a positive predictive value of at least 95%. The following publication has been ascertained in the context of this evaluation (PMID: 29089023). ClinVar contains an entry for this variant (Variation ID: 224788). Based on the evidence outlined above, the variant was classified as likely pathogenic.

Labcorp Genetics (formerly Invitae), Labcorp
Classification: Pathogenic. Last evaluated: 2022-04-23. Review status: criteria provided, single submitter. Criteria: Invitae Variant Classification Sherloc (09022015). Collection method: clinical testing. Allele origin: germline.
Comment: ClinVar contains an entry for this variant (Variation ID: 224788). For these reasons, this variant has been classified as Pathogenic. Advanced modeling of protein sequence and biophysical properties (such as structural, functional, and spatial information, amino acid conservation, physicochemical variation, residue mobility, and thermodynamic stability) performed at Invitae indicates that this missense variant is expected to disrupt COL4A3 protein function. This missense change has been observed in individual(s) with Alport syndrome (PMID: 29089023). In at least one individual the data is consistent with being in trans (on the opposite chromosome) from a pathogenic variant. It has also been observed to segregate with disease in related individuals. This variant is not present in population databases (gnomAD no frequency). This sequence change replaces serine, which is neutral and polar, with cysteine, which is neutral and slightly polar, at codon 1492 of the COL4A3 protein (p.Ser1492Cys).

Fundacion Rioja Salud, Center for Biomedical Research (CIBIR)
Classification: Pathogenic for Autosomal dominant Alport syndrome. Last evaluated: 2016-03-18. Review status: criteria provided, single submitter. Criteria: ACMG Guidelines, 2015. Collection method: research. Allele origin: inherited. Affected: no.

Literature cited by the submitters: PubMed 29089023 (cited by Women's Health and Genetics/Laboratory Corporation of America, LabCorp and Labcorp Genetics (formerly Invitae), Labcorp).

NM_000091.5(COL4A3):c.4474A>T (p.Ser1492Cys)

Genes: COL4A3 (collagen type IV alpha 3 chain; plus strand), MFF-DT (MFF divergent transcript; minus strand). Cytogenetic location: 2q36.3.
Variant type: single nucleotide variant.
Coding change: c.4474A>T on transcript NM_000091.5 (MANE Select); coding-DNA position 4474, A replaced by T.
Protein change: p.Ser1492Cys; replaces serine 1492 with cysteine.
Molecular consequence: missense variant.
Genome position (GRCh38, 1-based): chr2:227,308,910, A>T. VCF-style: chr2-227308910-A-T. GRCh37 (hg19) VCF-style: chr2-228173626-A-T.
Other names: short protein forms S1492C.
Identifiers: ClinVar variation 224788 (VCV000224788.7), dbSNP rs1057519377, ClinGen allele CA16044146.